The following is an entry in ClinVar:

NM_002691.4(POLD1):c.816A>T (p.Lys272Asn)

Gene: POLD1 (DNA polymerase delta 1, catalytic subunit; plus strand). Cytogenetic location: 19q13.33.
Variant type: single nucleotide variant.
Coding change: c.816A>T on transcript NM_002691.4 (MANE Select); coding-DNA position 816, A replaced by T.
Protein change: p.Lys272Asn; replaces lysine 272 with asparagine.
Molecular consequence: missense variant. On other transcripts: non-coding transcript variant (1).
Genome position (GRCh38, 1-based): chr19:50,402,511, A>T. VCF-style: chr19-50402511-A-T. GRCh37 (hg19) VCF-style: chr19-50905768-A-T.
Other names: c.816A>T, p.Lys272Asn (NM_001256849.1, NM_001308632.1); short protein forms K272N.
Identifiers: ClinVar variation 942859 (VCV000942859.13), dbSNP rs1398389717, ClinGen allele CA406975039.

ClinVar aggregate classification (germline): Uncertain significance. Review status: criteria provided, multiple submitters, no conflicts (2 of 4 stars). 2 submissions from 2 submitters: Uncertain significance (2). Last evaluated 2024-04-13.

Conditions:
Hereditary cancer-predisposing syndrome. Also called: Hereditary neoplastic syndrome; Tumor predisposition; Neoplastic Syndromes, Hereditary; Hereditary Cancer Syndrome. Identifiers: Orphanet 140162, MedGen C0027672, MeSH D009386, MONDO:0015356.
POLD1-related polyposis and colorectal cancer syndrome (CRCS10). Also called: Colorectal cancer 10; COLORECTAL CANCER, SUSCEPTIBILITY TO, ON CHROMOSOME 19q; Colorectal cancer, susceptibility to, 10. Identifiers: Orphanet 220460, MedGen C2675481, MONDO:0012953, OMIM 612591.

Allele frequency attached by ClinVar (database versions not stated): gnomAD exomes below 0.00001.
gnomAD v4.1: 1 of 1,608,198 alleles (0.000062%); highest among the groups gnomAD compares: Non-Finnish European, 0.000085%; no homozygotes.

Submissions (2):

Ambry Genetics
Classification: Uncertain significance for Hereditary cancer-predisposing syndrome. Last evaluated: 2024-04-13. Review status: criteria provided, single submitter. Criteria: Ambry Variant Classification Scheme 2023. Collection method: clinical testing. Allele origin: germline.
Comment: The p.K272N variant (also known as c.816A>T), located in coding exon 6 of the POLD1 gene, results from an A to T substitution at nucleotide position 816. The lysine at codon 272 is replaced by asparagine, an amino acid with similar properties. This amino acid position is conserved. In addition, this alteration is predicted to be tolerated by in silico analysis. Since supporting evidence is limited at this time, the clinical significance of this alteration remains unclear.

Labcorp Genetics (formerly Invitae), Labcorp
Classification: Uncertain significance for POLD1-related polyposis and colorectal cancer syndrome. Last evaluated: 2024-03-29. Review status: criteria provided, single submitter. Criteria: Invitae Variant Classification Sherloc (09022015). Collection method: clinical testing. Allele origin: germline.
Comment: This sequence change replaces lysine, which is basic and polar, with asparagine, which is neutral and polar, at codon 272 of the POLD1 protein (p.Lys272Asn). The frequency data for this variant in the population databases is considered unreliable, as metrics indicate poor data quality at this position in the gnomAD database. This variant has not been reported in the literature in individuals affected with POLD1-related conditions. ClinVar contains an entry for this variant (Variation ID: 942859). Advanced modeling of protein sequence and biophysical properties (such as structural, functional, and spatial information, amino acid conservation, physicochemical variation, residue mobility, and thermodynamic stability) performed at Invitae indicates that this missense variant is not expected to disrupt POLD1 protein function with a negative predictive value of 80%. In summary, the available evidence is currently insufficient to determine the role of this variant in disease. Therefore, it has been classified as a Variant of Uncertain Significance.